The following is an entry in ClinVar:

ClinVar aggregate classification (germline): Likely pathogenic (1 of 4 stars; one submission).

Conditions:
Joubert syndrome. Also called: JOUBERT-BOLTSHAUSER SYNDROME; Familial aplasia of the vermis. Identifiers: Orphanet 475, MedGen C5979921, MONDO:0018772.
Meckel-Gruber syndrome. Also called: DYSENCEPHALIA SPLANCHNOCYSTICA; GRUBER SYNDROME; Dysencephalia splachnocystica. Identifiers: Orphanet 564, MedGen C0265215, MONDO:0018921.

Allele frequency attached by ClinVar (database versions not stated): TOPMed 0.00001.

Submission:

Labcorp Genetics (formerly Invitae), Labcorp
Classification: Likely pathogenic for Joubert syndrome; Meckel-Gruber syndrome. Last evaluated: 2023-08-04. Review status: criteria provided, single submitter. Criteria: Invitae Variant Classification Sherloc (09022015). Collection method: clinical testing. Allele origin: germline.
Comment: This variant is not present in population databases (gnomAD no frequency). In summary, the currently available evidence indicates that the variant is pathogenic, but additional data are needed to prove that conclusively. Therefore, this variant has been classified as Likely Pathogenic. Algorithms developed to predict the effect of sequence changes on RNA splicing suggest that this variant may disrupt the consensus splice site. ClinVar contains an entry for this variant (Variation ID: 1475901). This variant has not been reported in the literature in individuals affected with CC2D2A-related conditions. This sequence change affects an acceptor splice site in intron 11 of the CC2D2A gene. It is expected to disrupt RNA splicing. Variants that disrupt the donor or acceptor splice site typically lead to a loss of protein function (PMID: 16199547), and loss-of-function variants in CC2D2A are known to be pathogenic (PMID: 19777577).

Literature cited by the submitters: PubMed 16199547; PubMed 19777577.

NM_001378615.1(CC2D2A):c.1018-1G>A

Genes: CC2D2A (coiled-coil and C2 domain containing 2A; plus strand), FBXL5 (F-box and leucine rich repeat protein 5; minus strand). Cytogenetic location: 4p15.32.
Variant type: single nucleotide variant.
Coding change: c.1018-1G>A on transcript NM_001378615.1 (MANE Select); the canonical splice acceptor site of the intron before coding-DNA position 1018, G replaced by A.
Molecular consequence: splice acceptor variant.
Genome position (GRCh38, 1-based): chr4:15,516,624, G>A. VCF-style: chr4-15516624-G-A. GRCh37 (hg19) VCF-style: chr4-15518247-G-A.
Other names: c.1018-1G>A (NM_001080522.2); c.871-1G>A (NM_001378617.1).
Identifiers: ClinVar variation 1475901 (VCV001475901.6), dbSNP rs1716886666, ClinGen allele CA356409801.
Genomic context (GRCh38, chr4:15,516,624, plus strand): 5'-TGTGAACCATTTTCTGTTCGATTAGAAGAAAATGTTGCCATTCCCTCTGCTTCATCTACA[G>A]GAAAGAAGATGGTTTGGAGATGACGGCAGGATCCTAGCTCTGCCAAACCCCATCAAGCCA-3'